The following is an entry in ClinVar:

ClinVar aggregate classification (germline): Uncertain significance. Review status: criteria provided, multiple submitters, no conflicts (2 of 4 stars). 3 submissions from 3 submitters: Uncertain significance (3). Last evaluated 2025-03-01.

Conditions:
Familial adenomatous polyposis 1 (FAP1). Also called: POLYPOSIS, ADENOMATOUS INTESTINAL; FAMILIAL ADENOMATOUS POLYPOSIS 1, ATTENUATED. Identifiers: MedGen C2713442, MONDO:0021056, OMIM 175100. Disease mechanism: loss of function.
Hereditary cancer-predisposing syndrome. Also called: Hereditary Cancer Syndrome; Neoplastic Syndromes, Hereditary; Tumor predisposition; Hereditary neoplastic syndrome. Identifiers: Orphanet 140162, MedGen C0027672, MeSH D009386, MONDO:0015356.

Allele frequency attached by ClinVar (database versions not stated): gnomAD exomes below 0.00001; ExAC 0.00001.
gnomAD v4.1: 1 of 1,613,850 alleles (0.000062%); highest among the groups gnomAD compares: Non-Finnish European, 0.000085%; no homozygotes.

Submissions (3):

Ambry Genetics
Classification: Uncertain significance for Hereditary cancer-predisposing syndrome. Last evaluated: 2025-03-01. Review status: criteria provided, single submitter. Criteria: Ambry Variant Classification Scheme 2023. Collection method: clinical testing. Allele origin: germline.
Comment: The p.I1975N variant (also known as c.5924T>A), located in coding exon 15 of the APC gene, results from a T to A substitution at nucleotide position 5924. The isoleucine at codon 1975 is replaced by asparagine, an amino acid with dissimilar properties. This amino acid position is conserved. In addition, in silico predictors for this gene do not accurately predict pathogenicity. Based on the available evidence, the clinical significance of this variant remains unclear.

Color Diagnostics, LLC DBA Color Health
Classification: Uncertain significance for Hereditary cancer-predisposing syndrome. Last evaluated: 2023-12-05. Review status: criteria provided, single submitter. Criteria: ACMG Guidelines, 2015. Collection method: clinical testing. Allele origin: germline.
Comment: This missense variant replaces isoleucine with asparagine at codon 1975 of the APC protein. Computational prediction suggests that this variant may not impact protein structure and function (internally defined REVEL score threshold <= 0.5, PMID: 27666373). To our knowledge, functional studies have not been reported for this variant. This variant has not been reported in individuals affected with APC-related disorders in the literature. This variant has been identified in 1/250638 chromosomes in the general population by the Genome Aggregation Database (gnomAD). The available evidence is insufficient to determine the role of this variant in disease conclusively. Therefore, this variant is classified as a Variant of Uncertain Significance.

Baylor Genetics
Classification: Uncertain significance for Familial adenomatous polyposis 1. Last evaluated: 2023-06-20. Review status: criteria provided, single submitter. Criteria: ACMG Guidelines, 2015. Collection method: clinical testing. Allele origin: unknown.

NM_000038.6(APC):c.5924T>A (p.Ile1975Asn)

Gene: APC (APC regulator of Wnt signaling pathway; plus strand). Cytogenetic location: 5q22.2.
Variant type: single nucleotide variant.
Coding change: c.5924T>A on transcript NM_000038.6 (MANE Select); coding-DNA position 5924, T replaced by A.
Protein change: p.Ile1975Asn; replaces isoleucine 1975 with asparagine.
Molecular consequence: missense variant.
Genome position (GRCh38, 1-based): chr5:112,841,518, T>A. VCF-style: chr5-112841518-T-A. GRCh37 (hg19) VCF-style: chr5-112177215-T-A.
Other names: c.5924T>A, p.Ile1975Asn (NM_001127510.3, NM_001354895.2); c.5870T>A, p.Ile1957Asn (NM_001127511.3); c.5978T>A, p.Ile1993Asn (NM_001354896.2); c.5954T>A, p.Ile1985Asn (NM_001354897.2); c.5849T>A, p.Ile1950Asn (NM_001354898.2); c.5840T>A, p.Ile1947Asn (NM_001354899.2); c.5801T>A, p.Ile1934Asn (NM_001354900.2); c.5747T>A, p.Ile1916Asn (NM_001354901.2); and 5 more; short protein forms I1957N, I1975N, I1884N, I1692N, I1849N, I1874N, I1950N, I1993N.
Identifiers: ClinVar variation 490323 (VCV000490323.8), dbSNP rs751710222, ClinGen allele CA043442.
Genomic context (GRCh38, chr5:112,841,518, plus strand): 5'-CTATTGAAAATACTCCGGTTTGCTTTTCTCATAATTCCTCTCTGAGTTCTCTCAGTGACA[T>A]TGACCAAGAAAACAACAATAAAGAAAATGAACCTATCAAAGAGACTGAGCCCCCTGACTC-3'
Protein context (NP_000029.2, residues 1965-1985): HNSSLSSLSD[Ile1975Asn]DQENNNKENE